The following is an entry in ClinVar:

NM_007294.4(BRCA1):c.1251T>C (p.Asn417=)

Gene: BRCA1 (BRCA1 DNA repair associated; minus strand). Cytogenetic location: 17q21.31.
Variant type: single nucleotide variant.
Coding change: c.1251T>C on transcript NM_007294.4 (MANE Select); coding-DNA position 1251, T replaced by C.
Protein change: p.Asn417=; no amino-acid change (asparagine 417 retained).
Molecular consequence: synonymous variant. On other transcripts: intron variant (137).
Genome position (GRCh38, 1-based): chr17:43,094,280, A>G on the plus strand (T>C on the coding strand, the complement: BRCA1 is on the minus strand). VCF-style: chr17-43094280-A-G. GRCh37 (hg19) VCF-style: chr17-41246297-A-G.
Other names: c.1125T>C, p.Asn375= (NM_001407672.1, NM_001407673.1, NM_001407685.1 and 11 more transcripts); c.1128T>C, p.Asn376= (NM_001407674.1, NM_001407675.1, NM_001407676.1 and 19 more transcripts); c.1251T>C, p.Asn417= (NM_001407684.1, NM_001407854.1, NM_001407858.1 and 30 more transcripts); c.1110T>C, p.Asn370= (NM_001407692.1, NM_001407694.1, NM_001407695.1 and 29 more transcripts); c.1107T>C, p.Asn369= (NM_001407740.1, NM_001407741.1, NM_001407742.1 and 20 more transcripts); c.1038T>C, p.Asn346= (NM_001407853.1, NM_001407894.1, NM_001407895.1 and 9 more transcripts); c.1248T>C, p.Asn416= (NM_001407860.1, NM_001407861.1, NM_001407587.1 and 22 more transcripts); c.1050T>C, p.Asn350= (NM_001407862.1); and 40 more.
Identifiers: ClinVar variation 512577 (VCV000512577.12), dbSNP rs80357197, ClinGen allele CA500233472.

ClinVar aggregate classification (germline): Likely benign. Review status: criteria provided, multiple submitters, no conflicts (2 of 4 stars). 6 submissions from 6 submitters: Likely benign (6). Last evaluated 2025-10-14.

Conditions:
Hereditary breast ovarian cancer syndrome. Also called: Breast and ovarian cancer; Hereditary breast and/or ovarian cancer syndrome; BRCA1- and BRCA2-Associated Hereditary Breast and Ovarian Cancer; Hereditary breast and ovarian cancer syndrome; Hereditary breast and ovarian cancer syndrome (HBOC); Hereditary breast and ovarian cancer. Identifiers: Orphanet 145, MedGen C0677776, MeSH D061325, MONDO:0003582. Disease mechanism: loss of function.
Breast-ovarian cancer, familial, susceptibility to, 1 (BROVCA1). Also called: BRCA1 Hereditary Breast and Ovarian Cancer; OVARIAN CANCER, SUSCEPTIBILITY TO. Identifiers: Orphanet 145, MedGen C2676676, MONDO:0011450, OMIM 604370. Disease mechanism: loss of function.
Hereditary cancer-predisposing syndrome. Also called: Tumor predisposition; Hereditary Cancer Syndrome; Hereditary neoplastic syndrome; Neoplastic Syndromes, Hereditary. Identifiers: Orphanet 140162, MedGen C0027672, MeSH D009386, MONDO:0015356.

gnomAD v4.1: 3 of 1,614,158 alleles (0.00019%); highest among the groups gnomAD compares: East Asian, 0.0067%; no homozygotes.

Submissions (6):

Labcorp Genetics (formerly Invitae), Labcorp
Classification: Likely benign for Hereditary breast ovarian cancer syndrome. Last evaluated: 2025-10-14. Review status: criteria provided, single submitter. Criteria: Invitae Variant Classification Sherloc (09022015). Collection method: clinical testing. Allele origin: germline.

Ambry Genetics
Classification: Likely benign for Hereditary cancer-predisposing syndrome. Last evaluated: 2023-11-08. Review status: criteria provided, single submitter. Criteria: Ambry Variant Classification Scheme 2023. Collection method: clinical testing. Allele origin: germline.

All of Us Research Program, National Institutes of Health
Classification: Likely benign for Breast-ovarian cancer, familial, susceptibility to, 1. Last evaluated: 2023-08-08. Review status: criteria provided, single submitter. Criteria: ACMG Guidelines, 2015. Collection method: clinical testing. Allele origin: germline. Inheritance: Autosomal dominant inheritance. Observed: 1 variant allele, 1 heterozygote.
Comment: This study involves interpretation of variants in research participants for the purpose of population health screening. Participant phenotype was not available at the time of variant classification. Additional details can be found in publication PMID: 35346344, PMCID: PMC8962531

Women's Health and Genetics/Laboratory Corporation of America, LabCorp
Classification: Likely benign. Last evaluated: 2022-12-19. Review status: criteria provided, single submitter. Criteria: LabCorp Variant Classification Summary - May 2015. Collection method: clinical testing. Allele origin: germline.

Color Diagnostics, LLC DBA Color Health
Classification: Likely benign for Hereditary cancer-predisposing syndrome. Last evaluated: 2017-12-27. Review status: criteria provided, single submitter. Criteria: ACMG Guidelines, 2015. Collection method: clinical testing. Allele origin: germline.

GeneDx
Classification: Likely benign. Last evaluated: 2017-10-06. Review status: criteria provided, single submitter. Criteria: GeneDx Variant Classification (06012015). Collection method: clinical testing. Allele origin: germline. Affected: yes.
Comment: This variant is considered likely benign or benign based on one or more of the following criteria: it is a conservative change, it occurs at a poorly conserved position in the protein, it is predicted to be benign by multiple in silico algorithms, and/or has population frequency not consistent with disease.